The following is an entry in ClinVar:

ClinVar aggregate classification (germline): Pathogenic. Review status: criteria provided, single submitter (1 of 4 stars). 2 submissions from 2 submitters: Pathogenic (1). 1 of the submissions does not count toward it. Last evaluated 2021-06-04.

Conditions:
Bilateral frontoparietal polymicrogyria. Also called: CEREBELLAR ATAXIA WITH NEURONAL MIGRATION DEFECT; CORTICAL DYSPLASIA, COMPLEX, WITH OTHER BRAIN MALFORMATIONS 14A (BILATERAL FRONTOPARIETAL). Identifiers: Orphanet 101070, MedGen C1847352, MONDO:0011738, OMIM 606854.

Submissions (2):

Labcorp Genetics (formerly Invitae), Labcorp
Classification: Pathogenic. Last evaluated: 2021-06-04. Review status: criteria provided, single submitter. Criteria: Invitae Variant Classification Sherloc (09022015). Collection method: clinical testing. Allele origin: germline.
Comment: For these reasons, this variant has been classified as Pathogenic. This variant has not been reported in the literature in individuals with ADGRG1-related conditions. ClinVar contains an entry for this variant (Variation ID: 617503). This variant is not present in population databases (ExAC no frequency). This sequence change creates a premature translational stop signal (p.Gln300*) in the ADGRG1 gene. It is expected to result in an absent or disrupted protein product. Loss-of-function variants in ADGRG1 are known to be pathogenic (PMID: 15044805, 20929962).

Foundation for Research in Genetics and Endocrinology, FRIGE's Institute of Human Genetics
Classification: Pathogenic for Bilateral frontoparietal polymicrogyria. Last evaluated: 2018-09-26. Review status: no assertion criteria provided. Collection method: clinical testing. Allele origin: germline. Inheritance: Autosomal recessive inheritance. Affected: yes. Observed: 1 homozygote. Not counted in ClinVar's aggregate classification.
Comment: The observed variant NM_01145772.2:c.898C>T(p.Gln300Ter) in exon-6 of GPR56 gene has not been reported in 1000 Genomes and ExAC databases. The in-silico prediction of variant is damaging by MutationTaster2.

Literature cited by the submitters: PubMed 15044805 (cited by Labcorp Genetics (formerly Invitae), Labcorp); PubMed 20929962 (cited by Labcorp Genetics (formerly Invitae), Labcorp).

NM_201525.4(ADGRG1):c.898C>T (p.Gln300Ter)

Gene: ADGRG1 (adhesion G protein-coupled receptor G1; plus strand). Cytogenetic location: 16q21.
Variant type: single nucleotide variant.
Coding change: c.898C>T on transcript NM_201525.4 (MANE Select); coding-DNA position 898, C replaced by T.
Protein change: p.Gln300Ter; replaces glutamine 300 with a stop codon.
Molecular consequence: nonsense.
Genome position (GRCh38, 1-based): chr16:57,655,528, C>T. VCF-style: chr16-57655528-C-T. GRCh37 (hg19) VCF-style: chr16-57689440-C-T.
Other names: c.898C>T, p.Gln300Ter (NM_001145770.3, NM_001145771.3, NM_001145772.3 and 16 more transcripts); c.913C>T, p.Gln305Ter (NM_001145773.3, NM_001370433.1); c.388C>T, p.Gln130Ter (NM_001290142.2); c.373C>T, p.Gln125Ter (NM_001290143.2, NM_001290144.2, NM_001370451.1 and 2 more transcripts); c.742C>T, p.Gln248Ter (NM_001370442.1); short protein forms Q300*, Q130*, Q305*, Q125*, Q248*.
Identifiers: ClinVar variation 617503 (VCV000617503.8), dbSNP rs1567782714, ClinGen allele CA396047389.